The following is an entry in ClinVar:

NM_003906.5(MCM3AP):c.4858G>C (p.Ala1620Pro)

Genes: MCM3AP (minichromosome maintenance complex component 3 associated protein; minus strand), MCM3AP-AS1 (MCM3AP antisense RNA 1; plus strand). Cytogenetic location: 21q22.3.
Variant type: single nucleotide variant.
Coding change: c.4858G>C on transcript NM_003906.5 (MANE Select); coding-DNA position 4858, G replaced by C.
Protein change: p.Ala1620Pro; replaces alanine 1620 with proline.
Molecular consequence: missense variant.
Genome position (GRCh38, 1-based): chr21:46,244,987, C>G on the plus strand (G>C on the coding strand, the complement: MCM3AP is on the minus strand). VCF-style: chr21-46244987-C-G. GRCh37 (hg19) VCF-style: chr21-47664901-C-G.
Other names: short protein forms A1620P.
Identifiers: ClinVar variation 1716000 (VCV001716000.5), dbSNP rs2517318684, ClinGen allele CA410543430.

ClinVar aggregate classification (germline): Uncertain significance (1 of 4 stars; one submission).

Submission:

Labcorp Genetics (formerly Invitae), Labcorp
Classification: Uncertain significance. Last evaluated: 2022-08-10. Review status: criteria provided, single submitter. Criteria: Invitae Variant Classification Sherloc (09022015). Collection method: clinical testing. Allele origin: germline.
Comment: In summary, the available evidence is currently insufficient to determine the role of this variant in disease. Therefore, it has been classified as a Variant of Uncertain Significance. Algorithms developed to predict the effect of missense changes on protein structure and function are either unavailable or do not agree on the potential impact of this missense change (SIFT: "Deleterious"; PolyPhen-2: "Probably Damaging"; Align-GVGD: "Class C0"). This variant has not been reported in the literature in individuals affected with MCM3AP-related conditions. This variant is not present in population databases (gnomAD no frequency). This sequence change replaces alanine, which is neutral and non-polar, with proline, which is neutral and non-polar, at codon 1620 of the MCM3AP protein (p.Ala1620Pro).